The following is an entry in ClinVar:

NM_005585.5(SMAD6):c.1093G>A (p.Gly365Ser)

Gene: SMAD6 (SMAD family member 6; plus strand). Cytogenetic location: 15q22.31.
Variant type: single nucleotide variant.
Coding change: c.1093G>A on transcript NM_005585.5 (MANE Select); coding-DNA position 1093, G replaced by A.
Protein change: p.Gly365Ser; replaces glycine 365 with serine.
Molecular consequence: missense variant. On other transcripts: non-coding transcript variant (1).
Genome position (GRCh38, 1-based): chr15:66,781,137, G>A. VCF-style: chr15-66781137-G-A. GRCh37 (hg19) VCF-style: chr15-67073475-G-A.
Other names: short protein forms G365S.
Identifiers: ClinVar variation 916571 (VCV000916571.3), dbSNP rs1176080464, ClinGen allele CA393201846.

ClinVar aggregate classification (germline): Uncertain significance. Review status: criteria provided, single submitter (1 of 4 stars). 2 submissions from 2 submitters: Uncertain significance (1). 1 of the submissions does not count toward it. Last evaluated 2024-04-11.

Conditions:
Aortic valve disease 2 (AOVD2). Identifiers: MedGen C3542024, MONDO:0013902, OMIM 614823.
Esophageal atresia/tracheoesophageal fistula. Also called: TRACHEOESOPHAGEAL FISTULA WITH OR WITHOUT ESOPHAGEAL ATRESIA; Tracheoesophageal fistula. Identifiers: Orphanet 1199, MedGen C0040588, MeSH D014138, MONDO:0008586, OMIM 189960, HP:0002575.

Allele frequency attached by ClinVar (database versions not stated): gnomAD 0.00001.
gnomAD v4.1: 4 of 1,608,580 alleles (0.00025%); highest among the groups gnomAD compares: South Asian, 0.0011%; no homozygotes.

Submissions (2):

Labcorp Genetics (formerly Invitae), Labcorp
Classification: Uncertain significance for Aortic valve disease 2. Last evaluated: 2024-04-11. Review status: criteria provided, single submitter. Criteria: Invitae Variant Classification Sherloc (09022015). Collection method: clinical testing. Allele origin: germline.
Comment: This sequence change replaces glycine, which is neutral and non-polar, with serine, which is neutral and polar, at codon 365 of the SMAD6 protein (p.Gly365Ser). This variant is not present in population databases (gnomAD no frequency). This missense change has been observed in individual(s) with esophageal atresia/tracheoesophageal fistula (PMID: 32641753, 35519826). ClinVar contains an entry for this variant (Variation ID: 916571). Advanced modeling of protein sequence and biophysical properties (such as structural, functional, and spatial information, amino acid conservation, physicochemical variation, residue mobility, and thermodynamic stability) performed at Invitae indicates that this missense variant is not expected to disrupt SMAD6 protein function with a negative predictive value of 80%. In summary, the available evidence is currently insufficient to determine the role of this variant in disease. Therefore, it has been classified as a Variant of Uncertain Significance.

Shen Lab, Columbia University Medical Center
Classification: Likely pathogenic for Esophageal atresia/tracheoesophageal fistula. Last evaluated: 2019-07-01. Review status: no assertion criteria provided. Collection method: research. Allele origin: de novo. Affected: yes. Observed: 1 variant allele. Not counted in ClinVar's aggregate classification.

Literature cited by the submitters: PubMed 32641753 (cited by Labcorp Genetics (formerly Invitae), Labcorp and Shen Lab, Columbia University Medical Center); PubMed 35519826 (cited by Labcorp Genetics (formerly Invitae), Labcorp).